The following is an entry in ClinVar:

ClinVar aggregate classification (germline): Uncertain significance. Review status: reviewed by expert panel (3 of 4 stars). 2 submissions from 2 submitters: Uncertain significance (1). 1 of the submissions does not count toward it. Last evaluated 2025-07-11.

Conditions:
Inborn genetic diseases. Identifiers: MedGen C0950123, MeSH D030342.
Hereditary thrombocytopenia and hematologic cancer predisposition syndrome. Identifiers: Orphanet 71290, MedGen CN281654, MONDO:0011071.

Submissions (2):

ClinGen Myeloid Malignancy Variant Curation Expert Panel
Classification: Uncertain significance for Hereditary thrombocytopenia and hematologic cancer predisposition syndrome. Last evaluated: 2025-07-11. Review status: reviewed by expert panel. Criteria: ClinGen MyeloMalig ACMG Specifications v2. Collection method: curation. Allele origin: germline. Inheritance: Autosomal dominant inheritance.
Comment: NM_001754.5(RUNX1):c.1058T>C (p.Phe353Ser) is a missense variant which is completely absent from all population databases with at least 20x coverage for RUNX1 (PM2_Supporting). In summary, the clinical significance of this variant is uncertain. ACMG/AMP criteria applied, as specified by the Myeloid Malignancy Variant Curation Expert Panel for RUNX1: PM2_supporting.

Ambry Genetics
Classification: Uncertain significance for Inborn genetic diseases. Last evaluated: 2025-01-28. Review status: criteria provided, single submitter. Criteria: Ambry Variant Classification Scheme 2023. Collection method: clinical testing. Allele origin: germline. Not counted in ClinVar's aggregate classification.
Comment: The p.F353S variant (also known as c.1058T>C), located in coding exon 8 of the RUNX1 gene, results from a T to C substitution at nucleotide position 1058. The phenylalanine at codon 353 is replaced by serine, an amino acid with highly dissimilar properties. This amino acid position is highly conserved in available vertebrate species. In addition, this alteration is predicted to be deleterious by in silico analysis. Based on the available evidence, the clinical significance of this variant remains unclear.

NM_001754.5(RUNX1):c.1058T>C (p.Phe353Ser)

Gene: RUNX1 (RUNX family transcription factor 1; minus strand). Cytogenetic location: 21q22.12.
Variant type: single nucleotide variant.
Coding change: c.1058T>C on transcript NM_001754.5 (MANE Select); coding-DNA position 1058, T replaced by C.
Protein change: p.Phe353Ser; replaces phenylalanine 353 with serine.
Molecular consequence: missense variant.
Genome position (GRCh38, 1-based): chr21:34,792,520, A>G on the plus strand (T>C on the coding strand, the complement: RUNX1 is on the minus strand). VCF-style: chr21-34792520-A-G. GRCh37 (hg19) VCF-style: chr21-36164817-A-G.
Other names: NM_001754.5(RUNX1):c.1058T>C; p.Phe353Ser; c.977T>C, p.Phe326Ser (NM_001001890.3); short protein forms F326S, F353S.
Identifiers: ClinVar variation 3791488 (VCV003791488.1).